The following is an entry in ClinVar:

ClinVar aggregate classification (germline): Conflicting classifications of pathogenicity. Review status: criteria provided, conflicting classifications (1 of 4 stars). 3 submissions from 3 submitters: Uncertain significance (1); Likely benign (2). Last evaluated 2025-12-15.

Conditions:
CUBN-related disorder. Also called: CUBN-related condition.
Imerslund-Grasbeck syndrome type 1 (IGS1). Also called: Megaloblastic anemia 1, Finnish type; MEGALOBLASTIC ANEMIA, 1; Imerslund-Gräsbeck syndrome 1. Identifiers: MedGen C4016819, MONDO:0100156, OMIM 261100.
Imerslund-Grasbeck syndrome. Also called: ENTEROCYTE COBALAMIN MALABSORPTION; ENTEROCYTE INTRINSIC FACTOR RECEPTOR, DEFECT OF; PERNICIOUS ANEMIA, JUVENILE, DUE TO SELECTIVE INTESTINAL MALABSORPTION OF VITAMIN B12, WITH PROTEINURIA; Megaloblastic anemia due to inborn errors of metabolism; Imerslund-Gräsbeck syndrome. Identifiers: Orphanet 35858, MedGen C4551825, MONDO:0009853.

Allele frequency attached by ClinVar (database versions not stated): gnomAD 0.00011 and 0.00013; TOPMed 0.00012; ESP Exome Variant Server 0.00015; gnomAD exomes 0.00016; ExAC 0.00017; 1000 Genomes Project 30x 0.00031; 1000 Genomes Project 0.00040.
gnomAD v4.1: 297 of 1,613,156 alleles (0.018%); highest among the groups gnomAD compares: Non-Finnish European, 0.024%; no homozygotes.

Submissions (3):

PreventionGenetics, part of Exact Sciences
Classification: Likely benign for CUBN-related condition. Last evaluated: 2025-12-15. Review status: criteria provided, single submitter. Criteria: ACMG Guidelines, 2015. Collection method: clinical testing. Allele origin: germline.
Comment: This variant is classified as likely benign based on ACMG/AMP sequence variant interpretation guidelines (Richards et al. 2015 PMID: 25741868, with internal and published modifications).

Labcorp Genetics (formerly Invitae), Labcorp
Classification: Likely benign for Imerslund-Grasbeck syndrome. Last evaluated: 2025-05-16. Review status: criteria provided, single submitter. Criteria: Invitae Variant Classification Sherloc (09022015). Collection method: clinical testing. Allele origin: germline.

Illumina Laboratory Services, Illumina
Classification: Uncertain significance for Imerslund-Grasbeck syndrome type 1. Last evaluated: 2018-01-13. Review status: criteria provided, single submitter. Criteria: ICSL Variant Classification Criteria 13 December 2019. Collection method: clinical testing. Allele origin: germline.

NM_001081.4(CUBN):c.1926C>T (p.Asp642=)

Gene: CUBN (cubilin; minus strand). Cytogenetic location: 10p13.
Variant type: single nucleotide variant.
Coding change: c.1926C>T on transcript NM_001081.4 (MANE Select); coding-DNA position 1926, C replaced by T.
Protein change: p.Asp642=; no amino-acid change (aspartic acid 642 retained).
Molecular consequence: synonymous variant.
Genome position (GRCh38, 1-based): chr10:17,088,185, G>A on the plus strand (C>T on the coding strand, the complement: CUBN is on the minus strand). VCF-style: chr10-17088185-G-A. GRCh37 (hg19) VCF-style: chr10-17130184-G-A.
Identifiers: ClinVar variation 299518 (VCV000299518.15), dbSNP rs201938886, ClinGen allele CA5425161.
Genomic context (GRCh38, chr10:17,088,185, plus strand): 5'-TCATATTGTGATATGTTCTATCTAAATATAATTATTTACCTCAAGGTAATCTTTGTTGCA[G>A]TCATCATGGTGCTCGAGGCTCAAGGTCCCAAAAGTAAATGTTACCAGGAGGTCAGGACTA-3'
Protein context (NP_001072.2, residues 632-652): FGTLSLEHHD[Asp642=]CNKDYLEIRD